The following is an entry in ClinVar:

NM_001048174.2(MUTYH):c.182A>C (p.Asp61Ala)

Gene: MUTYH (mutY DNA glycosylase; minus strand). Cytogenetic location: 1p34.1.
Variant type: single nucleotide variant.
Coding change: c.182A>C on transcript NM_001048174.2 (MANE Select); coding-DNA position 182, A replaced by C.
Protein change: p.Asp61Ala; replaces aspartic acid 61 with alanine.
Molecular consequence: missense variant. On other transcripts: non-coding transcript variant (7), 5 prime UTR variant (6).
Genome position (GRCh38, 1-based): chr1:45,333,495, T>G on the plus strand (A>C on the coding strand, the complement: MUTYH is on the minus strand). VCF-style: chr1-45333495-T-G. GRCh37 (hg19) VCF-style: chr1-45799167-T-G.
Other names: c.182A>C, p.Asp61Ala (NM_001048171.2, NM_001407070.1, NM_001407072.1 and 6 more transcripts); c.-90A>C (NM_001350651.2, NM_001350650.2, NM_001407082.1); c.257A>C, p.Asp86Ala (NM_001407069.1, NM_012222.3); c.185A>C, p.Asp62Ala (NM_001407071.1, NM_001407078.1, NM_001048172.2 and 2 more transcripts); c.224A>C, p.Asp75Ala (NM_001407073.1, NM_001407083.1, NM_001407085.1); c.98A>C, p.Asp33Ala (NM_001407075.1); c.215A>C, p.Asp72Ala (NM_001407077.1, NM_001293191.2); c.266A>C, p.Asp89Ala (NM_001128425.2); and 3 more; short protein forms D68A, D75A, D61A, D76A, D33A, D62A, D72A, D86A.
Identifiers: ClinVar variation 4113556 (VCV004113556.1).

ClinVar aggregate classification (germline): Uncertain significance (1 of 4 stars; one submission).

Conditions:
Hereditary cancer-predisposing syndrome. Also called: Hereditary neoplastic syndrome; Neoplastic Syndromes, Hereditary; Tumor predisposition; Hereditary Cancer Syndrome. Identifiers: Orphanet 140162, MedGen C0027672, MeSH D009386, MONDO:0015356.

Submission:

Ambry Genetics
Classification: Uncertain significance for Hereditary cancer-predisposing syndrome. Last evaluated: 2025-08-27. Review status: criteria provided, single submitter. Criteria: Ambry Variant Classification Scheme 2023. Collection method: clinical testing. Allele origin: germline.
Comment: The p.D89A variant (also known as c.266A>C), located in coding exon 3 of the MUTYH gene, results from an A to C substitution at nucleotide position 266. The aspartic acid at codon 89 is replaced by alanine, an amino acid with dissimilar properties. This amino acid position is conserved. In addition, the in silico prediction for this alteration is inconclusive. Based on the available evidence, the clinical significance of this variant remains unclear.